The following is an entry in ClinVar:

NM_000017.4(ACADS):c.1198C>A (p.Leu400Met)

Gene: ACADS (acyl-CoA dehydrogenase short chain; plus strand). Cytogenetic location: 12q24.31.
Variant type: single nucleotide variant.
Coding change: c.1198C>A on transcript NM_000017.4 (MANE Select); coding-DNA position 1198, C replaced by A.
Protein change: p.Leu400Met; replaces leucine 400 with methionine.
Molecular consequence: missense variant.
Genome position (GRCh38, 1-based): chr12:120,739,407, C>A. VCF-style: chr12-120739407-C-A. GRCh37 (hg19) VCF-style: chr12-121177210-C-A.
Other names: c.1186C>A, p.Leu396Met (NM_001302554.2); short protein forms L396M, L400M.
Identifiers: ClinVar variation 4882827 (VCV004882827.2).

ClinVar aggregate classification (germline): Uncertain significance (1 of 4 stars; one submission).

Submission:

Dasa
Classification: Uncertain significance. Last evaluated: 2026-03-29. Review status: criteria provided, single submitter. Criteria: DASA Assertion Criteria. Collection method: clinical testing. Allele origin: germline.
Comment: NM_000017.4(ACADS):c.1198C>A (p.Leu400Met) is a missense variant that results in the substitution of leucine with methionine. This variant is rare in population databases. The currently available literature and clinical evidence are not sufficient to establish a definitive association between this variant and the reported condition. Therefore, this variant is classified as a variant of uncertain significance.